The following is an entry in ClinVar:

NM_000202.8(IDS):c.996del (p.Ser333fs)

Genes: IDS (iduronate 2-sulfatase; minus strand), LOC106050102 (IDS recombination region; plus strand). Cytogenetic location: Xq28.
Variant type: Deletion.
Coding change: c.996del on transcript NM_000202.8 (MANE Select); coding-DNA position 996, one base deleted (C; older notation c.996delC).
Protein change: p.Ser333fs; shifts the reading frame from serine 333.
Molecular consequence: frameshift variant. On other transcripts: non-coding transcript variant (1).
Genome position (GRCh38, 1-based): chrX:149,490,324, G deleted on the plus strand (C on the coding strand, the reverse complement: IDS is on the minus strand); the first of 2 consecutive G bases (chrX:149,490,324-149,490,325); deleting either gives the same sequence. VCF-style (leftmost placement, unchanged base first): chrX-149490323-AG-A. GRCh37 (hg19) VCF-style: chrX-148571854-AG-A.
Other names: c.726del, p.Ser243fs (NM_001166550.4); c.996del, p.Ser333fs (NM_006123.5); short protein forms S243fs, S333fs.
Identifiers: ClinVar variation 3255897 (VCV003255897.2).

ClinVar aggregate classification (germline): Pathogenic (1 of 4 stars; one submission).

Conditions:
Mucopolysaccharidosis, MPS-II (MPS2). Also called: Hunter Syndrome; IDURONATE 2-SULFATASE DEFICIENCY; Mucopolysaccharidosis Type II; Mucopolysaccharidosis type 2; Attenuated MPS (subtype; formerly known as mild MPS II); Severe MPS II. Identifiers: Orphanet 580, Orphanet 79388, MedGen C0026705, MONDO:0010674, OMIM 309900.

Submission:

Laboratory of Diagnosis and Therapy of Lysosomal Disorders, University of Padova
Classification: Pathogenic for Mucopolysaccharidosis, MPS-II. Last evaluated: 2024-06-07. Review status: criteria provided, single submitter. Criteria: ACMG Guidelines, 2015. Collection method: literature only. Allele origin: germline. Affected: yes. Observed: 1 variant allele.
Comment: Null variant (PVS1_VeryStrong), Absent from controls (or at low frequency) in gnomAD database (PM2_Moderate), Patient’s phenotype or family history highly specific for the disease (PP4_Strong)

Classification method: ACMG Guidelines [PMID:25741868] with modifications

Literature cited by the submitters: PubMed 22976768.